The following is an entry in ClinVar:

ClinVar aggregate classification (germline): Uncertain significance. Review status: criteria provided, multiple submitters, no conflicts (2 of 4 stars). 2 submissions from 2 submitters: Uncertain significance (2). Last evaluated 2025-07-09.

Conditions:
Inborn genetic diseases. Identifiers: MedGen C0950123, MeSH D030342.
Autosomal dominant Parkinson disease 8. Also called: LRRK2-Related Parkinson Disease; Parkinson disease 8; Parkinson disease 8, susceptibility to. Identifiers: Orphanet 411602, MedGen C1846862, MONDO:0011764, OMIM 607060.

Allele frequency attached by ClinVar (database versions not stated): gnomAD exomes below 0.00001; ExAC 0.00001.

Submissions (2):

Labcorp Genetics (formerly Invitae), Labcorp
Classification: Uncertain significance for Autosomal dominant Parkinson disease 8. Last evaluated: 2025-07-09. Review status: criteria provided, single submitter. Criteria: Invitae Variant Classification Sherloc (09022015). Collection method: clinical testing. Allele origin: germline.
Comment: This sequence change replaces glycine, which is neutral and non-polar, with arginine, which is basic and polar, at codon 741 of the LRRK2 protein (p.Gly741Arg). This variant is present in population databases (rs773128974, gnomAD 0.0009%). This variant has not been reported in the literature in individuals affected with LRRK2-related conditions. ClinVar contains an entry for this variant (Variation ID: 2587245). Invitae Evidence Modeling of protein sequence and biophysical properties (such as structural, functional, and spatial information, amino acid conservation, physicochemical variation, residue mobility, and thermodynamic stability) indicates that this missense variant is not expected to disrupt LRRK2 protein function with a negative predictive value of 80%. In summary, the available evidence is currently insufficient to determine the role of this variant in disease. Therefore, it has been classified as a Variant of Uncertain Significance.

Ambry Genetics
Classification: Uncertain significance for Inborn genetic diseases. Last evaluated: 2023-06-30. Review status: criteria provided, single submitter. Criteria: Ambry Variant Classification Scheme 2023. Collection method: clinical testing. Allele origin: germline.
Comment: The p.G741R variant (also known as c.2221G>C), located in coding exon 18 of the LRRK2 gene, results from a G to C substitution at nucleotide position 2221. The glycine at codon 741 is replaced by arginine, an amino acid with dissimilar properties. This amino acid position is conserved. In addition, this alteration is predicted to be tolerated by in silico analysis. Since supporting evidence is limited at this time, the clinical significance of this alteration remains unclear.

NM_198578.4(LRRK2):c.2221G>C (p.Gly741Arg)

Gene: LRRK2 (leucine rich repeat kinase 2; plus strand). Cytogenetic location: 12q12.
Variant type: single nucleotide variant.
Coding change: c.2221G>C on transcript NM_198578.4 (MANE Select); coding-DNA position 2221, G replaced by C.
Protein change: p.Gly741Arg; replaces glycine 741 with arginine.
Molecular consequence: missense variant.
Genome position (GRCh38, 1-based): chr12:40,278,241, G>C. VCF-style: chr12-40278241-G-C. GRCh37 (hg19) VCF-style: chr12-40672043-G-C.
Other names: short protein forms G741R.
Identifiers: ClinVar variation 2587245 (VCV002587245.3), dbSNP rs773128974, ClinGen allele CA6513577.